The following is an entry in ClinVar:

NM_000548.5(TSC2):c.4072C>G (p.Pro1358Ala)

Gene: TSC2 (TSC complex subunit 2; plus strand). Cytogenetic location: 16p13.3.
Variant type: single nucleotide variant.
Coding change: c.4072C>G on transcript NM_000548.5 (MANE Select); coding-DNA position 4072, C replaced by G.
Protein change: p.Pro1358Ala; replaces proline 1358 with alanine.
Molecular consequence: missense variant.
Genome position (GRCh38, 1-based): chr16:2,084,294, C>G. VCF-style: chr16-2084294-C-G. GRCh37 (hg19) VCF-style: chr16-2134295-C-G.
Other names: c.3871C>G, p.Pro1291Ala (NM_001077183.3); c.4003C>G, p.Pro1335Ala (NM_001114382.3); c.3763C>G, p.Pro1255Ala (NM_001318827.2); c.3727C>G, p.Pro1243Ala (NM_001318829.2); c.3340C>G, p.Pro1114Ala (NM_001318831.2); c.3904C>G, p.Pro1302Ala (NM_001318832.2); c.3874C>G, p.Pro1292Ala (NM_001363528.2); c.3940C>G, p.Pro1314Ala (NM_001370404.1); and 1 more; short protein forms P1358A, P1255A, P1291A, P1314A, P1114A, P1243A, P1302A, P1315A.
Identifiers: ClinVar variation 238043 (VCV000238043.26), dbSNP rs878854104, ClinGen allele CA10583332.

ClinVar aggregate classification (germline): Conflicting classifications of pathogenicity. Review status: criteria provided, conflicting classifications (1 of 4 stars). 8 submissions from 8 submitters: Uncertain significance (6); Likely benign (2). Last evaluated 2025-12-11.

Conditions:
Isolated focal cortical dysplasia type II (FCORD2). Also called: Focal cortical dysplasia type II; CORTICAL DYSPLASIA OF TAYLOR. Identifiers: Orphanet 268994, MedGen C1846385, MONDO:0011818, OMIM 607341, HP:0032051.
Tuberous sclerosis 2 (TSC2). Identifiers: Orphanet 805, MedGen C1860707, MONDO:0013199, OMIM 613254.
Lymphangiomyomatosis (LAM). Also called: Lymphangioleiomyomatosis; Lymphangioleiomyomatosis, somatic. Identifiers: Orphanet 538, MedGen C0751674, MONDO:0011705, OMIM 606690.
Neurodevelopmental delay. Identifiers: MedGen C4022738, HP:0012758.
Seizure. Also called: Seizures. Identifiers: MedGen C0036572, HP:0001250.
Hereditary cancer-predisposing syndrome. Also called: Tumor predisposition; Hereditary Cancer Syndrome; Hereditary neoplastic syndrome; Neoplastic Syndromes, Hereditary. Identifiers: Orphanet 140162, MedGen C0027672, MeSH D009386, MONDO:0015356.

Allele frequency attached by ClinVar (database versions not stated): gnomAD 0.00001; TOPMed 0.00002.
gnomAD v4.1: 3 of 1,612,476 alleles (0.00019%); no homozygotes.

Submissions (8):

Ambry Genetics
Classification: Uncertain significance for Hereditary cancer-predisposing syndrome. Last evaluated: 2025-12-11. Review status: criteria provided, single submitter. Criteria: Ambry Variant Classification Scheme 2023. Collection method: clinical testing. Allele origin: germline.
Comment: The p.P1358A variant (also known as c.4072C>G), located in coding exon 33 of the TSC2 gene, results from a C to G substitution at nucleotide position 4072. The proline at codon 1358 is replaced by alanine, an amino acid with highly similar properties. This amino acid position is highly conserved in available vertebrate species. In addition, this alteration is predicted to be deleterious by in silico analysis. Since supporting evidence is limited at this time, the clinical significance of this alteration remains unclear.

Labcorp Genetics (formerly Invitae), Labcorp
Classification: Likely benign for Tuberous sclerosis 2. Last evaluated: 2025-12-03. Review status: criteria provided, single submitter. Criteria: Invitae Variant Classification Sherloc (09022015). Collection method: clinical testing. Allele origin: germline.

Quest Diagnostics Nichols Institute San Juan Capistrano
Classification: Uncertain significance. Last evaluated: 2024-11-19. Review status: criteria provided, single submitter. Criteria: Quest Diagnostics criteria. Collection method: clinical testing. Allele origin: unknown.
Comment: The TSC2 c.4072C>G (p.Pro1358Ala) variant has been reported in the published literature in an individual with familial colorectal cancer type X (PMID: 35181726 (2022)). The frequency of this variant in the general population, 0.0000066 (1/152212 chromosomes (Genome Aggregation Database)), is uninformative in the assessment of its pathogenicity. Analysis of this variant using bioinformatics tools for the prediction of the effect of amino acid changes on protein structure and function yielded predictions that this variant is damaging. Based on the available information, we are unable to determine the clinical significance of this variant.

Fulgent Genetics
Classification: Uncertain significance for Lymphangiomyomatosis; Isolated focal cortical dysplasia type II; Tuberous sclerosis 2. Last evaluated: 2024-04-23. Review status: criteria provided, single submitter. Criteria: ACMG Guidelines, 2015. Collection method: clinical testing. Allele origin: germline.

GeneDx
Classification: Uncertain significance. Last evaluated: 2023-12-28. Review status: criteria provided, single submitter. Criteria: GeneDx Variant Classification Process June 2021. Collection method: clinical testing. Allele origin: germline. Affected: yes.
Comment: Not observed at significant frequency in large population cohorts (gnomAD); In silico analysis supports that this missense variant has a deleterious effect on protein structure/function; Has not been previously published as pathogenic or benign to our knowledge; This variant is associated with the following publications: (PMID: 23514105)

Baylor Genetics
Classification: Uncertain significance for Isolated focal cortical dysplasia type II. Last evaluated: 2023-10-08. Review status: criteria provided, single submitter. Criteria: ACMG Guidelines, 2015. Collection method: clinical testing. Allele origin: unknown.

Genome-Nilou Lab
Classification: Likely benign for Tuberous sclerosis 2. Last evaluated: 2021-11-07. Review status: criteria provided, single submitter. Criteria: ACMG Guidelines, 2015. Collection method: clinical testing. Allele origin: germline. Affected: no.

Laboratorio de Genetica e Diagnostico Molecular, Hospital Israelita Albert Einstein
Classification: Uncertain significance for Seizure; Neurodevelopmental delay. Last evaluated: 2021-05-13. Review status: criteria provided, single submitter. Criteria: ACMG Guidelines, 2015. Collection method: clinical testing. Allele origin: germline. Affected: yes.
Comment: ACMG classification criteria: PM2 moderate

Literature cited by the submitters: PubMed 35181726 (cited by Quest Diagnostics Nichols Institute San Juan Capistrano).